The following is an entry in ClinVar:

ClinVar aggregate classification (germline): Uncertain significance (1 of 4 stars; one submission).

Allele frequency attached by ClinVar (database versions not stated): gnomAD exomes below 0.00001.
gnomAD v4.1: 2 of 1,613,072 alleles (0.00012%); highest among the groups gnomAD compares: Non-Finnish European, 0.000085%; no homozygotes.

Submission:

Labcorp Genetics (formerly Invitae), Labcorp
Classification: Uncertain significance. Last evaluated: 2021-12-19. Review status: criteria provided, single submitter. Criteria: Invitae Variant Classification Sherloc (09022015). Collection method: clinical testing. Allele origin: germline.
Comment: In summary, the available evidence is currently insufficient to determine the role of this variant in disease. Therefore, it has been classified as a Variant of Uncertain Significance. Algorithms developed to predict the effect of missense changes on protein structure and function are either unavailable or do not agree on the potential impact of this missense change (SIFT: "Deleterious"; PolyPhen-2: "Benign"; Align-GVGD: "Class C0"). This variant has not been reported in the literature in individuals affected with DSG1-related conditions. This variant is not present in population databases (gnomAD no frequency). This sequence change replaces isoleucine, which is neutral and non-polar, with lysine, which is basic and polar, at codon 623 of the DSG1 protein (p.Ile623Lys).

NM_001942.4(DSG1):c.1868T>A (p.Ile623Lys)

Genes: DSG1 (desmoglein 1; plus strand), DSG1-AS1 (DSG1 antisense RNA 1; minus strand). Cytogenetic location: 18q12.1.
Variant type: single nucleotide variant.
Coding change: c.1868T>A on transcript NM_001942.4 (MANE Select); coding-DNA position 1868, T replaced by A.
Protein change: p.Ile623Lys; replaces isoleucine 623 with lysine.
Molecular consequence: missense variant.
Genome position (GRCh38, 1-based): chr18:31,343,972, T>A. VCF-style: chr18-31343972-T-A. GRCh37 (hg19) VCF-style: chr18-28923935-T-A.
Other names: short protein forms I623K.
Identifiers: ClinVar variation 1418837 (VCV001418837.6), dbSNP rs2071809985, ClinGen allele CA402117607.